The following is an entry in ClinVar:

NM_014846.4(WASHC5):c.2098-5C>G

Gene: WASHC5 (WASH complex subunit 5; minus strand). Cytogenetic location: 8q24.13.
Variant type: single nucleotide variant.
Coding change: c.2098-5C>G on transcript NM_014846.4 (MANE Select); 5 bases into the intron before coding-DNA position 2098, C replaced by G.
Molecular consequence: intron variant.
Genome position (GRCh38, 1-based): chr8:125,050,670, G>C on the plus strand (C>G on the coding strand, the complement: WASHC5 is on the minus strand). VCF-style: chr8-125050670-G-C. GRCh37 (hg19) VCF-style: chr8-126062912-G-C.
Other names: c.1654-5C>G (NM_001330609.2).
Identifiers: ClinVar variation 2947453 (VCV002947453.3), dbSNP rs1816213990, ClinGen allele CA2740095140.
Genomic context (GRCh38, chr8:125,050,670, plus strand): 5'-ACGCGCTTCACAAGCTCTTTCCTTATTCCATCTTCCAGCAACTGCTTTGGATCCACCTAA[G>C]TGCCAATCAAAAGTATTAAATGATAGTTACGAAAAATTCAGTCCTAACGAAATCCAGAGG-3'

ClinVar aggregate classification (germline): Uncertain significance (1 of 4 stars; one submission).

Conditions:
Hereditary spastic paraplegia 8 (SPG8). Also called: SPASTIC PARAPLEGIA 8, AUTOSOMAL DOMINANT. Identifiers: Orphanet 100989, MedGen C1863704, MONDO:0011339, OMIM 603563.
Ritscher-Schinzel syndrome. Also called: CRANIOCEREBELLOCARDIAC DYSPLASIA. Identifiers: Orphanet 7, MedGen C0796137, MONDO:0019078.

Submission:

Labcorp Genetics (formerly Invitae), Labcorp
Classification: Uncertain significance for Ritscher-Schinzel syndrome; Hereditary spastic paraplegia 8. Last evaluated: 2023-07-25. Review status: criteria provided, single submitter. Criteria: Invitae Variant Classification Sherloc (09022015). Collection method: clinical testing. Allele origin: germline.
Comment: In summary, the available evidence is currently insufficient to determine the role of this variant in disease. Therefore, it has been classified as a Variant of Uncertain Significance. Algorithms developed to predict the effect of sequence changes on RNA splicing suggest that this variant may disrupt the consensus splice site. This variant has not been reported in the literature in individuals affected with WASHC5-related conditions. This variant is not present in population databases (gnomAD no frequency). This sequence change falls in intron 17 of the WASHC5 gene. It does not directly change the encoded amino acid sequence of the WASHC5 protein.